The following is an entry in ClinVar:

ClinVar aggregate classification (germline): Likely benign (1 of 4 stars; one submission).

gnomAD v4.1: 1 of 1,603,108 alleles (0.000062%); no homozygotes.

Submission:

CeGaT Center for Human Genetics Tuebingen
Classification: Likely benign. Last evaluated: 2024-11-01. Review status: criteria provided, single submitter. Criteria: CeGaT Center For Human Genetics Tuebingen Variant Classification Criteria Version 2. Collection method: clinical testing. Allele origin: germline. Affected: yes. Observed: 1 variant allele.
Comment: PKD1: BP4, BP7

NM_001009944.3(PKD1):c.6060C>T (p.Ile2020=)

Gene: PKD1 (polycystin 1, transient receptor potential channel interacting; minus strand). Cytogenetic location: 16p13.3.
Variant type: single nucleotide variant.
Coding change: c.6060C>T on transcript NM_001009944.3 (MANE Select); coding-DNA position 6060, C replaced by T.
Protein change: p.Ile2020=; no amino-acid change (isoleucine 2020 retained).
Molecular consequence: synonymous variant.
Genome position (GRCh38, 1-based): chr16:2,109,107, G>A on the plus strand (C>T on the coding strand, the complement: PKD1 is on the minus strand). VCF-style: chr16-2109107-G-A. GRCh37 (hg19) VCF-style: chr16-2159108-G-A.
Other names: c.6060C>T, p.Ile2020= (NM_000296.4).
Identifiers: ClinVar variation 3388489 (VCV003388489.14).
Genomic context (GRCh38, chr16:2,109,107, plus strand): 5'-CACCTGGATCTCCAACAGCCCCGCGGCCACGGGCGTGTAGGTGACGTCGCGGCCCGACAG[G>A]ATGACCAGCGAGTCGCCCTGGACCTTCTGCAGCGAGAAGTACCAGGCGTAGGCGACCCGA-3'
Protein context (NP_001009944.3, residues 2010-2030): LQKVQGDSLV[Ile2020=]LSGRDVTYTP